The following is an entry in ClinVar:

ClinVar aggregate classification (germline): Uncertain significance. Review status: criteria provided, multiple submitters, no conflicts (2 of 4 stars). 4 submissions from 4 submitters: Uncertain significance (4). Last evaluated 2026-04-16.

Conditions:
Inborn genetic diseases. Identifiers: MedGen C0950123, MeSH D030342.
HSD17B4-related disorder. Also called: HSD17B4-related condition; HSD17B4-related disorders.
Perrault syndrome. Also called: Gonadal dysgenesis with auditory dysfunction, autosomal recessive inheritance. Identifiers: Orphanet 2855, MedGen C0685838, MONDO:0017312.
Bifunctional peroxisomal enzyme deficiency (DBIF). Also called: DBP DEFICIENCY; PBFE DEFICIENCY; D-bifunctional protein deficiency. Identifiers: Orphanet 300, MedGen C0342870, MONDO:0009855, OMIM 261515. Disease mechanism: loss of function.

Allele frequency attached by ClinVar (database versions not stated): 1000 Genomes Project 30x 0.00031; ExAC 0.00003; 1000 Genomes Project 0.00020.
gnomAD v4.1: 19 of 1,574,022 alleles (0.0012%); highest among the groups gnomAD compares: Admixed American, 0.012%; no homozygotes.

Submissions (4):

GeneDx
Classification: Uncertain significance. Last evaluated: 2026-04-16. Review status: criteria provided, single submitter. Criteria: GeneDx Variant Classification Process June 2021. Collection method: clinical testing. Allele origin: germline.
Comment: Not observed at significant frequency in large population cohorts (gnomAD); In silico analysis suggests that this missense variant does not alter protein structure/function; Has not been previously published as pathogenic or benign to our knowledge; In silico analysis suggests this variant may impact gene splicing. In the absence of RNA/functional studies, the actual effect of this sequence change is unknown.

PreventionGenetics, part of Exact Sciences
Classification: Uncertain significance for HSD17B4-related condition. Last evaluated: 2025-06-17. Review status: criteria provided, single submitter. Criteria: ACMG Guidelines, 2015. Collection method: clinical testing. Allele origin: germline.
Comment: The HSD17B4 c.1681G>T variant is predicted to result in the amino acid substitution p.Ala561Ser. To our knowledge, this variant has not been reported in the literature. This variant is reported in 0.014% of alleles in individuals of Latino descent in gnomAD. At this time, the clinical significance of this variant is uncertain due to the absence of conclusive functional and genetic evidence.

Ambry Genetics
Classification: Uncertain significance for Inborn genetic diseases. Last evaluated: 2023-12-26. Review status: criteria provided, single submitter. Criteria: Ambry Variant Classification Scheme 2023. Collection method: clinical testing. Allele origin: germline.

Labcorp Genetics (formerly Invitae), Labcorp
Classification: Uncertain significance for Perrault syndrome; Bifunctional peroxisomal enzyme deficiency. Last evaluated: 2021-09-07. Review status: criteria provided, single submitter. Criteria: Invitae Variant Classification Sherloc (09022015). Collection method: clinical testing. Allele origin: germline.
Comment: This sequence change replaces alanine with serine at codon 561 of the HSD17B4 protein (p.Ala561Ser). The alanine residue is weakly conserved and there is a moderate physicochemical difference between alanine and serine. This variant is present in population databases (rs201966018, ExAC 0.03%). This variant has not been reported in the literature in individuals affected with HSD17B4-related conditions. Algorithms developed to predict the effect of missense changes on protein structure and function are either unavailable or do not agree on the potential impact of this missense change (SIFT: "Deleterious"; PolyPhen-2: "Benign"; Align-GVGD: "Class C0"). Algorithms developed to predict the effect of sequence changes on RNA splicing suggest that this variant may disrupt the consensus splice site. In summary, the available evidence is currently insufficient to determine the role of this variant in disease. Therefore, it has been classified as a Variant of Uncertain Significance.

NM_000414.4(HSD17B4):c.1681G>T (p.Ala561Ser)

Gene: HSD17B4 (hydroxysteroid 17-beta dehydrogenase 4; plus strand). Cytogenetic location: 5q23.1.
Variant type: single nucleotide variant.
Coding change: c.1681G>T on transcript NM_000414.4 (MANE Select); coding-DNA position 1681, G replaced by T.
Protein change: p.Ala561Ser; replaces alanine 561 with serine.
Molecular consequence: missense variant. On other transcripts: non-coding transcript variant (2).
Genome position (GRCh38, 1-based): chr5:119,527,133, G>T. VCF-style: chr5-119527133-G-T. GRCh37 (hg19) VCF-style: chr5-118862828-G-T.
Other names: c.1756G>T, p.Ala586Ser (NM_001199291.3); c.1627G>T, p.Ala543Ser (NM_001199292.2); c.1609G>T, p.Ala537Ser (NM_001292027.2, NM_001374498.1); c.1261G>T, p.Ala421Ser (NM_001292028.2); c.1672G>T, p.Ala558Ser (NM_001374497.1); c.1354G>T, p.Ala452Ser (NM_001374499.1); c.1240G>T, p.Ala414Ser (NM_001374500.1); c.1270G>T, p.Ala424Ser (NM_001374501.1, NM_001374502.1, NM_001374503.1); and 1 more; short protein forms A543S, A452S, A537S, A561S, A421S, A424S, A586S, A414S.
Identifiers: ClinVar variation 2073942 (VCV002073942.4), dbSNP rs201966018, ClinGen allele CA3382362.